The following is an entry in ClinVar:

ClinVar aggregate classification (germline): Uncertain significance. Review status: criteria provided, multiple submitters, no conflicts (2 of 4 stars). 2 submissions from 2 submitters: Uncertain significance (2). Last evaluated 2024-02-12.

Allele frequency attached by ClinVar (database versions not stated): gnomAD exomes below 0.00001; TOPMed 0.00001.
gnomAD v4.1: 1 of 1,613,666 alleles (0.000062%); highest among the groups gnomAD compares: Admixed American, 0.0017%; no homozygotes.

Submissions (2):

Labcorp Genetics (formerly Invitae), Labcorp
Classification: Uncertain significance. Last evaluated: 2024-02-12. Review status: criteria provided, single submitter. Criteria: Invitae Variant Classification Sherloc (09022015). Collection method: clinical testing. Allele origin: germline.
Comment: This sequence change replaces threonine, which is neutral and polar, with asparagine, which is neutral and polar, at codon 60 of the TFAP2B protein (p.Thr60Asn). This variant is present in population databases (no rsID available, gnomAD 0.003%). This variant has not been reported in the literature in individuals affected with TFAP2B-related conditions. ClinVar contains an entry for this variant (Variation ID: 1312414). Advanced modeling of protein sequence and biophysical properties (such as structural, functional, and spatial information, amino acid conservation, physicochemical variation, residue mobility, and thermodynamic stability) performed at Invitae indicates that this missense variant is not expected to disrupt TFAP2B protein function with a negative predictive value of 80%. In summary, the available evidence is currently insufficient to determine the role of this variant in disease. Therefore, it has been classified as a Variant of Uncertain Significance.

GeneDx
Classification: Uncertain significance. Last evaluated: 2020-02-12. Review status: criteria provided, single submitter. Criteria: GeneDx Variant Classification Process June 2021. Collection method: clinical testing. Allele origin: germline. Affected: yes.
Comment: Not observed at a significant frequency in large population cohorts (Lek et al., 2016); In silico analysis supports that this missense variant has a deleterious effect on protein structure/function; Has not been previously published as pathogenic or benign to our knowledge

NM_003221.4(TFAP2B):c.179C>A (p.Thr60Asn)

Gene: TFAP2B (transcription factor AP-2 beta; plus strand). Cytogenetic location: 6p12.3.
Variant type: single nucleotide variant.
Coding change: c.179C>A on transcript NM_003221.4 (MANE Select); coding-DNA position 179, C replaced by A.
Protein change: p.Thr60Asn; replaces threonine 60 with asparagine.
Molecular consequence: missense variant.
Genome position (GRCh38, 1-based): chr6:50,823,504, C>A. VCF-style: chr6-50823504-C-A. GRCh37 (hg19) VCF-style: chr6-50791217-C-A.
Other names: short protein forms T60N.
Identifiers: ClinVar variation 1312414 (VCV001312414.4), dbSNP rs1358938992, ClinGen allele CA364411993.